The following is an entry in ClinVar:

ClinVar aggregate classification (germline): Uncertain significance (1 of 4 stars; one submission).

Conditions:
Inborn genetic diseases. Identifiers: MedGen C0950123, MeSH D030342.

Submission:

Ambry Genetics
Classification: Uncertain significance for Inborn genetic diseases. Last evaluated: 2023-03-18. Review status: criteria provided, single submitter. Criteria: Ambry Variant Classification Scheme 2023. Collection method: clinical testing. Allele origin: germline.
Comment: The p.W318L variant (also known as c.953G>T), located in coding exon 8 of the EPAS1 gene, results from a G to T substitution at nucleotide position 953. The tryptophan at codon 318 is replaced by leucine, an amino acid with similar properties. This amino acid position is conserved. In addition, this alteration is predicted to be deleterious by in silico analysis. Since supporting evidence is limited at this time, the clinical significance of this alteration remains unclear.

NM_001430.5(EPAS1):c.953G>T (p.Trp318Leu)

Gene: EPAS1 (endothelial PAS domain protein 1; plus strand). Cytogenetic location: 2p21.
Variant type: single nucleotide variant.
Coding change: c.953G>T on transcript NM_001430.5 (MANE Select); coding-DNA position 953, G replaced by T.
Protein change: p.Trp318Leu; replaces tryptophan 318 with leucine.
Molecular consequence: missense variant.
Genome position (GRCh38, 1-based): chr2:46,375,756, G>T. VCF-style: chr2-46375756-G-T. GRCh37 (hg19) VCF-style: chr2-46602895-G-T.
Other names: short protein forms W318L.
Identifiers: ClinVar variation 2565031 (VCV002565031.2), dbSNP rs2546470246, ClinGen allele CA346702805.
Genomic context (GRCh38, chr2:46,375,756, plus strand): 5'-CCAAGGGTCAGGTAGTAAGTGGCCAGTACCGGATGCTCGCAAAGCATGGGGGCTACGTGT[G>T]GCTGGAGACCCAGGGGACGGTCATCTACAACCCTCGCAACCTGCAGCCCCAGTGCATCAT-3'
Protein context (NP_001421.2, residues 308-328): RMLAKHGGYV[Trp318Leu]LETQGTVIYN